The following is an entry in ClinVar:

NM_001982.4(ERBB3):c.1914-7C>G

Gene: ERBB3 (erb-b2 receptor tyrosine kinase 3; plus strand). Cytogenetic location: 12q13.2.
Variant type: single nucleotide variant.
Coding change: c.1914-7C>G on transcript NM_001982.4 (MANE Select); 7 bases into the intron before coding-DNA position 1914, C replaced by G.
Molecular consequence: intron variant.
Genome position (GRCh38, 1-based): chr12:56,095,658, C>G. VCF-style: chr12-56095658-C-G. GRCh37 (hg19) VCF-style: chr12-56489442-C-G.
Identifiers: ClinVar variation 2572087 (VCV002572087.3), dbSNP rs2136815265, ClinGen allele CA2580616799.

ClinVar aggregate classification (germline): Pathogenic (1 of 4 stars; one submission).

Conditions:
Visceral neuropathy, familial, 1, autosomal recessive (VSCN1). Identifiers: Orphanet 99811, MedGen C1855733, MONDO:8000011, OMIM 243180.

Submission:

Institute of Pediatric Research, Xinhua Hospital affiliated to Shanghai Jiao Tong University School of Medicine
Classification: Pathogenic for Visceral neuropathy, familial, 1, autosomal recessive. Last evaluated: 2022-10-01. Review status: criteria provided, single submitter. Criteria: ACMG Guidelines, 2015. Collection method: research. Allele origin: germline. Affected: yes. Observed: 1 variant allele.
Comment: This variant breaks the the original acceptor site of intron 16 and leads to an aberrant transcript with a 90-bp retention of intron 16 and a premature termination codon (p.K639Sfs*11), which undergos nonsense-mediated mRNA decay.